The following is an entry in ClinVar:

NM_000088.4(COL1A1):c.1811C>A (p.Pro604His)

Gene: COL1A1 (collagen type I alpha 1 chain; minus strand). Cytogenetic location: 17q21.33.
Variant type: single nucleotide variant.
Coding change: c.1811C>A on transcript NM_000088.4 (MANE Select); coding-DNA position 1811, C replaced by A.
Protein change: p.Pro604His; replaces proline 604 with histidine.
Molecular consequence: missense variant.
Genome position (GRCh38, 1-based): chr17:50,193,004, G>T on the plus strand (C>A on the coding strand, the complement: COL1A1 is on the minus strand). VCF-style: chr17-50193004-G-T. GRCh37 (hg19) VCF-style: chr17-48270365-G-T.
Other names: short protein forms P604H.
Identifiers: ClinVar variation 2071535 (VCV002071535.5), dbSNP rs374990175, ClinGen allele CA8645097.

ClinVar aggregate classification (germline): Conflicting classifications of pathogenicity. Review status: criteria provided, conflicting classifications (1 of 4 stars). 2 submissions from 2 submitters: Uncertain significance (1); Benign (1). Last evaluated 2026-02-13.

Conditions:
Cardiovascular phenotype. Identifiers: MedGen CN230736.
Osteogenesis imperfecta type I (OI1). Also called: Osteogenesis imperfecta type 1; Classic Non-deforming Osteogenesis Imperfecta with Blue Sclerae; OI, TYPE I; OSTEOGENESIS IMPERFECTA TARDA; OSTEOGENESIS IMPERFECTA WITH BLUE SCLERAE; Lobstein's Disease. Identifiers: Orphanet 216796, Orphanet 666, MedGen C0023931, MONDO:0008146, OMIM 166200. Disease mechanism: loss of function.

Allele frequency attached by ClinVar (database versions not stated): ExAC 0.00001; gnomAD 0.00001; TOPMed 0.00002; ESP Exome Variant Server 0.00008.
gnomAD v4.1: 2 of 1,614,020 alleles (0.00012%); highest among the groups gnomAD compares: African/African-American, 0.0027%; no homozygotes.

Submissions (2):

Ambry Genetics
Classification: Uncertain significance for Cardiovascular phenotype. Last evaluated: 2026-02-13. Review status: criteria provided, single submitter. Criteria: Ambry Variant Classification Scheme 2023. Collection method: clinical testing. Allele origin: germline.
Comment: The p.P604H variant (also known as c.1811C>A), located in coding exon 26 of the COL1A1 gene, results from a C to A substitution at nucleotide position 1811. The proline at codon 604 is replaced by histidine, an amino acid with similar properties. This amino acid position is conserved. In addition, the in silico prediction for this alteration is inconclusive. Based on the available evidence, the clinical significance of this variant remains unclear.

Labcorp Genetics (formerly Invitae), Labcorp
Classification: Benign for Osteogenesis imperfecta type I. Last evaluated: 2022-03-04. Review status: criteria provided, single submitter. Criteria: Invitae Variant Classification Sherloc (09022015). Collection method: clinical testing. Allele origin: germline.